The following is an entry in ClinVar:

NM_212482.4(FN1):c.148+3G>A

Gene: FN1 (fibronectin 1; minus strand). Cytogenetic location: 2q35.
Variant type: single nucleotide variant.
Coding change: c.148+3G>A on transcript NM_212482.4 (MANE Select); 3 bases into the intron after coding-DNA position 148, G replaced by A.
Molecular consequence: intron variant.
Genome position (GRCh38, 1-based): chr2:215,435,652, C>T on the plus strand (G>A on the coding strand, the complement: FN1 is on the minus strand). VCF-style: chr2-215435652-C-T. GRCh37 (hg19) VCF-style: chr2-216300375-C-T.
Other names: c.148+3G>A (NM_212474.3, NM_001306132.2, NM_001365523.2 and 14 more transcripts).
Identifiers: ClinVar variation 1054625 (VCV001054625.8), dbSNP rs370340259, ClinGen allele CA2095675.
Genomic context (GRCh38, chr2:215,435,652, plus strand): 5'-CTTTGGTCGGCTTTAGGGTCCCATCCCTGAGGCAGCCTGTTTCAGCCCGCGGTCAGTACT[C>T]ACGCTTGCTTTGACTGACAGCCACCGGGGACTGGGGCTGAACCATTTGCTGAGCCTGCCT-3'

ClinVar aggregate classification (germline): Conflicting classifications of pathogenicity. Review status: criteria provided, conflicting classifications (1 of 4 stars). 2 submissions from 2 submitters: Uncertain significance (1); Likely benign (1). Last evaluated 2025-06-24.

Allele frequency attached by ClinVar (database versions not stated): gnomAD 0.00001; TOPMed 0.00001; gnomAD exomes 0.00002 and 0.00006; ExAC 0.00003; ESP Exome Variant Server 0.00008.
gnomAD v4.1: 90 of 1,613,478 alleles (0.0056%); highest among the groups gnomAD compares: Non-Finnish European, 0.0074%; no homozygotes.

Submissions (2):

Labcorp Genetics (formerly Invitae), Labcorp
Classification: Uncertain significance. Last evaluated: 2025-06-24. Review status: criteria provided, single submitter. Criteria: Invitae Variant Classification Sherloc (09022015). Collection method: clinical testing. Allele origin: germline.
Comment: This sequence change falls in intron 1 of the FN1 gene. It does not directly change the encoded amino acid sequence of the FN1 protein. It affects a nucleotide within the consensus splice site. This variant is present in population databases (rs370340259, gnomAD 0.005%). This variant has not been reported in the literature in individuals affected with FN1-related conditions. ClinVar contains an entry for this variant (Variation ID: 1054625). Variants that disrupt the consensus splice site are a relatively common cause of aberrant splicing (PMID: 17576681, 9536098). Algorithms developed to predict the effect of sequence changes on RNA splicing suggest that this variant is not likely to affect RNA splicing. In summary, the available evidence is currently insufficient to determine the role of this variant in disease. Therefore, it has been classified as a Variant of Uncertain Significance.

Blueprint Genetics
Classification: Likely benign. Last evaluated: 2023-07-13. Review status: criteria provided, single submitter. Criteria: ACMG Guidelines, 2015. Collection method: clinical testing. Allele origin: germline.

Literature cited by the submitters: PubMed 17576681 (cited by Labcorp Genetics (formerly Invitae), Labcorp); PubMed 9536098 (cited by Labcorp Genetics (formerly Invitae), Labcorp).